The following is an entry in ClinVar:

NM_006852.6(TLK2):c.916G>A (p.Ala306Thr)

Genes: TLK2 (tousled like kinase 2; plus strand), LOC126862611 (CDK7 strongly-dependent group 2 enhancer GRCh37_chr17:60642433-60643632; plus strand). Cytogenetic location: 17q23.2.
Variant type: single nucleotide variant.
Coding change: c.916G>A on transcript NM_006852.6 (MANE Select); coding-DNA position 916, G replaced by A.
Protein change: p.Ala306Thr; replaces alanine 306 with threonine.
Molecular consequence: missense variant.
Genome position (GRCh38, 1-based): chr17:62,565,085, G>A. VCF-style: chr17-62565085-G-A. GRCh37 (hg19) VCF-style: chr17-60642446-G-A.
Other names: c.916G>A, p.Ala306Thr (NM_001284333.3, NM_001375270.1, NM_001375271.1); c.820G>A, p.Ala274Thr (NM_001284363.1, NM_001375272.1); c.469G>A, p.Ala157Thr (NM_001330418.3, NM_001375273.1); c.958G>A, p.Ala320Thr (NM_001375269.1); c.631G>A, p.Ala211Thr (NM_001411074.1); short protein forms A157T, A211T, A274T, A306T, A320T.
Identifiers: ClinVar variation 3373323 (VCV003373323.1).

ClinVar aggregate classification (germline): Uncertain significance (1 of 4 stars; one submission).

Submission:

GeneDx
Classification: Uncertain significance. Last evaluated: 2024-04-30. Review status: criteria provided, single submitter. Criteria: GeneDx Variant Classification Process June 2021. Collection method: clinical testing. Allele origin: germline. Affected: yes.
Comment: Not observed at significant frequency in large population cohorts (gnomAD); In silico analysis supports that this missense variant has a deleterious effect on protein structure/function; Has not been previously published as pathogenic or benign to our knowledge